The following is an entry in ClinVar:

NM_004304.5(ALK):c.877A>T (p.Ile293Phe)

Gene: ALK (ALK receptor tyrosine kinase; minus strand). Cytogenetic location: 2p23.2.
Variant type: single nucleotide variant.
Coding change: c.877A>T on transcript NM_004304.5 (MANE Select); coding-DNA position 877, A replaced by T.
Protein change: p.Ile293Phe; replaces isoleucine 293 with phenylalanine.
Molecular consequence: missense variant.
Genome position (GRCh38, 1-based): chr2:29,694,925, T>A on the plus strand (A>T on the coding strand, the complement: ALK is on the minus strand). VCF-style: chr2-29694925-T-A. GRCh37 (hg19) VCF-style: chr2-29917791-T-A.
Other names: short protein forms I293F.
Identifiers: ClinVar variation 2586705 (VCV002586705.4), dbSNP rs2148289798, ClinGen allele CA346586955.

ClinVar aggregate classification (germline): Uncertain significance. Review status: criteria provided, multiple submitters, no conflicts (2 of 4 stars). 2 submissions from 2 submitters: Uncertain significance (2). Last evaluated 2024-11-12.

Conditions:
Neuroblastoma, susceptibility to, 3. Also called: ALK-Related Neuroblastic Tumor Susceptibility. Identifiers: Orphanet 635, MedGen C2751681, MONDO:0013083, OMIM 613014.
Hereditary cancer-predisposing syndrome. Also called: Tumor predisposition; Neoplastic Syndromes, Hereditary; Hereditary Cancer Syndrome; Hereditary neoplastic syndrome. Identifiers: Orphanet 140162, MedGen C0027672, MeSH D009386, MONDO:0015356.

Submissions (2):

Labcorp Genetics (formerly Invitae), Labcorp
Classification: Uncertain significance for Neuroblastoma, susceptibility to, 3. Last evaluated: 2024-11-12. Review status: criteria provided, single submitter. Criteria: Invitae Variant Classification Sherloc (09022015). Collection method: clinical testing. Allele origin: germline.
Comment: This sequence change replaces isoleucine, which is neutral and non-polar, with phenylalanine, which is neutral and non-polar, at codon 293 of the ALK protein (p.Ile293Phe). This variant is not present in population databases (gnomAD no frequency). This variant has not been reported in the literature in individuals affected with ALK-related conditions. ClinVar contains an entry for this variant (Variation ID: 2586705). An algorithm developed to predict the effect of missense changes on protein structure and function (PolyPhen-2) suggests that this variant is likely to be tolerated. In summary, the available evidence is currently insufficient to determine the role of this variant in disease. Therefore, it has been classified as a Variant of Uncertain Significance.

Ambry Genetics
Classification: Uncertain significance for Hereditary cancer-predisposing syndrome. Last evaluated: 2023-08-31. Review status: criteria provided, single submitter. Criteria: Ambry Variant Classification Scheme 2023. Collection method: clinical testing. Allele origin: germline.
Comment: The p.I293F variant (also known as c.877A>T), located in coding exon 3 of the ALK gene, results from an A to T substitution at nucleotide position 877. The isoleucine at codon 293 is replaced by phenylalanine, an amino acid with highly similar properties. This amino acid position is conserved. In addition, this alteration is predicted to be tolerated by in silico analysis. Since supporting evidence is limited at this time, the clinical significance of this alteration remains unclear.